The following is an entry in ClinVar:

NM_176824.3(BBS7):c.842T>A (p.Phe281Tyr)

Gene: BBS7 (Bardet-Biedl syndrome 7; minus strand). Cytogenetic location: 4q27.
Variant type: single nucleotide variant.
Coding change: c.842T>A on transcript NM_176824.3 (MANE Select); coding-DNA position 842, T replaced by A.
Protein change: p.Phe281Tyr; replaces phenylalanine 281 with tyrosine.
Molecular consequence: missense variant.
Genome position (GRCh38, 1-based): chr4:121,852,963, A>T on the plus strand (T>A on the coding strand, the complement: BBS7 is on the minus strand). VCF-style: chr4-121852963-A-T. GRCh37 (hg19) VCF-style: chr4-122774118-A-T.
Other names: c.842T>A, p.Phe281Tyr (NM_018190.4); c.842T>A (NM_176824.2); short protein forms F281Y.
Identifiers: ClinVar variation 2162936 (VCV002162936.4), dbSNP rs1377686134, ClinGen allele CA358064094.
Genomic context (GRCh38, chr4:121,852,963, plus strand): 5'-CTCTATAATAATTTGACAAATAATAAGCATATAGTCTTTTTTAATGAACTTACCTGATCA[A>T]ATCGTAGAACAGGTTCATTTGCATTATCAAAACTATACACTTCCACCATTCCGTCATCTC-3'
Protein context (NP_789794.1, residues 271-291): FDNANEPVLR[Phe281Tyr]DQMLSESVTS

ClinVar aggregate classification (germline): Uncertain significance. Review status: criteria provided, multiple submitters, no conflicts (2 of 4 stars). 4 submissions from 4 submitters: Uncertain significance (4). Last evaluated 2026-01-28.

Conditions:
BBS7-related disorder. Also called: BBS7-related condition.
Inborn genetic diseases. Identifiers: MedGen C0950123, MeSH D030342.
Bardet-Biedl syndrome (BBS). Identifiers: Orphanet 110, MedGen C0752166, MONDO:0015229.

Allele frequency attached by ClinVar (database versions not stated): gnomAD exomes below 0.00001; TOPMed 0.00001.
gnomAD v4.1: 4 of 1,613,730 alleles (0.00025%); highest among the groups gnomAD compares: Admixed American, 0.0033%; no homozygotes.

Submissions (4):

PreventionGenetics, part of Exact Sciences
Classification: Uncertain significance for BBS7-related condition. Last evaluated: 2026-01-28. Review status: criteria provided, single submitter. Criteria: ACMG Guidelines, 2015. Collection method: clinical testing. Allele origin: germline.
Comment: The BBS7 c.842T>A variant is predicted to result in the amino acid substitution p.Phe281Tyr. To our knowledge, this variant has not been reported in the literature. This variant is reported in 0.0058% of alleles in individuals of Latino descent in gnomAD. At this time, the clinical significance of this variant is uncertain due to the absence of conclusive functional and genetic evidence.

Ambry Genetics
Classification: Uncertain significance for Inborn genetic diseases. Last evaluated: 2025-11-20. Review status: criteria provided, single submitter. Criteria: Ambry Variant Classification Scheme 2023. Collection method: clinical testing. Allele origin: germline.

Blueprint Genetics
Classification: Uncertain significance. Last evaluated: 2022-07-14. Review status: criteria provided, single submitter. Criteria: ACMG Guidelines, 2015. Collection method: clinical testing. Allele origin: germline.

Labcorp Genetics (formerly Invitae), Labcorp
Classification: Uncertain significance for Bardet-Biedl syndrome. Last evaluated: 2022-03-15. Review status: criteria provided, single submitter. Criteria: Invitae Variant Classification Sherloc (09022015). Collection method: clinical testing. Allele origin: germline.
Comment: This sequence change replaces phenylalanine, which is neutral and non-polar, with tyrosine, which is neutral and polar, at codon 281 of the BBS7 protein (p.Phe281Tyr). This variant is present in population databases (no rsID available, gnomAD 0.006%). This variant has not been reported in the literature in individuals affected with BBS7-related conditions. Algorithms developed to predict the effect of missense changes on protein structure and function (SIFT, PolyPhen-2, Align-GVGD) all suggest that this variant is likely to be tolerated. In summary, the available evidence is currently insufficient to determine the role of this variant in disease. Therefore, it has been classified as a Variant of Uncertain Significance.